The following is an entry in ClinVar:

NM_007194.4(CHEK2):c.183C>A (p.Ser61Arg)

Gene: CHEK2 (checkpoint kinase 2; minus strand). Cytogenetic location: 22q12.1.
Variant type: single nucleotide variant.
Coding change: c.183C>A on transcript NM_007194.4 (MANE Select); coding-DNA position 183, C replaced by A.
Protein change: p.Ser61Arg; replaces serine 61 with arginine.
Molecular consequence: missense variant.
Genome position (GRCh38, 1-based): chr22:28,734,539, G>T on the plus strand (C>A on the coding strand, the complement: CHEK2 is on the minus strand). VCF-style: chr22-28734539-G-T. GRCh37 (hg19) VCF-style: chr22-29130527-G-T.
Other names: c.183C>A (NM_007194.3); c.183C>A, p.Ser61Arg (NM_001005735.3, NM_001349956.3, NM_145862.3); c.-595C>A (NM_001257387.3); short protein forms S61R.
Identifiers: ClinVar variation 1001679 (VCV001001679.12), dbSNP rs2054322201, ClinGen allele CA411090867.

ClinVar aggregate classification (germline): Uncertain significance. Review status: criteria provided, multiple submitters, no conflicts (2 of 4 stars). 3 submissions from 3 submitters: Uncertain significance (3). Last evaluated 2024-07-26.

Conditions:
Hereditary cancer-predisposing syndrome. Also called: Neoplastic Syndromes, Hereditary; Tumor predisposition; Hereditary Cancer Syndrome; Hereditary neoplastic syndrome. Identifiers: Orphanet 140162, MedGen C0027672, MeSH D009386, MONDO:0015356.
Familial cancer of breast. Also called: Hereditary breast cancer; hereditary breast carcinoma; BREAST CANCER, FAMILIAL. Identifiers: Orphanet 227535, MedGen C0346153, MONDO:0016419, OMIM 114480. Disease mechanism: loss of function.

Submissions (3):

Ambry Genetics
Classification: Uncertain significance for Hereditary cancer-predisposing syndrome. Last evaluated: 2024-07-26. Review status: criteria provided, single submitter. Criteria: Ambry Variant Classification Scheme 2023. Collection method: clinical testing. Allele origin: germline.
Comment: The p.S61R variant (also known as c.183C>A), located in coding exon 1 of the CHEK2 gene, results from a C to A substitution at nucleotide position 183. The serine at codon 61 is replaced by arginine, an amino acid with dissimilar properties. This amino acid position is highly conserved in available vertebrate species. In addition, this alteration is predicted to be deleterious by in silico analysis. Based on the available evidence, the clinical significance of this variant remains unclear.

Baylor Genetics
Classification: Uncertain significance for Familial cancer of breast. Last evaluated: 2023-07-02. Review status: criteria provided, single submitter. Criteria: ACMG Guidelines, 2015. Collection method: clinical testing. Allele origin: unknown.

Labcorp Genetics (formerly Invitae), Labcorp
Classification: Uncertain significance for Familial cancer of breast. Last evaluated: 2020-02-07. Review status: criteria provided, single submitter. Criteria: Invitae Variant Classification Sherloc (09022015). Collection method: clinical testing. Allele origin: germline.
Comment: This sequence change replaces serine with arginine at codon 61 of the CHEK2 protein (p.Ser61Arg). The serine residue is highly conserved and there is a moderate physicochemical difference between serine and arginine. This variant is not present in population databases (ExAC no frequency). This variant has not been reported in the literature in individuals with CHEK2-related conditions. Algorithms developed to predict the effect of missense changes on protein structure and function are either unavailable or do not agree on the potential impact of this missense change (SIFT: "Deleterious"; PolyPhen-2: "Benign"; Align-GVGD: "Class C65"). In summary, the available evidence is currently insufficient to determine the role of this variant in disease. Therefore, it has been classified as a Variant of Uncertain Significance.